The following is an entry in ClinVar:

NM_014208.3(DSPP):c.2775A>T (p.Glu925Asp)

Genes: DMP1-AS1 (DMP1 and DSPP antisense RNA 1; minus strand), DSPP (dentin sialophosphoprotein; plus strand). Cytogenetic location: 4q22.1.
Variant type: single nucleotide variant.
Coding change: c.2775A>T on transcript NM_014208.3 (MANE Select); coding-DNA position 2775, A replaced by T.
Protein change: p.Glu925Asp; replaces glutamic acid 925 with aspartic acid.
Molecular consequence: missense variant.
Genome position (GRCh38, 1-based): chr4:87,615,437, A>T. VCF-style: chr4-87615437-A-T. GRCh37 (hg19) VCF-style: chr4-88536589-A-T.
Other names: short protein forms E925D.
Identifiers: ClinVar variation 4887124 (VCV004887124.1).

ClinVar aggregate classification (germline): Uncertain significance (1 of 4 stars; one submission).

Submission:

Women's Health and Genetics/Laboratory Corporation of America, LabCorp
Classification: Uncertain significance. Last evaluated: 2026-06-18. Review status: criteria provided, single submitter. Criteria: LabCorp Variant Classification Summary - May 2015. Collection method: clinical testing. Allele origin: germline.
Comment: Variant summary: DSPP c.2775A>T (p.Glu925Asp) results in a conservative amino acid change in the encoded protein sequence. Algorithms developed to predict the effect of missense changes on protein structure and function all suggest that this variant is likely to be tolerated. The variant was absent in 151620 control chromosomes (gnomAD). The available data on variant occurrences in the general population are insufficient to allow any conclusion about variant significance. To our knowledge, no occurrence of c.2775A>T in individuals affected with DSPP-related conditions and no experimental evidence demonstrating its impact on protein function have been reported. No submitters have cited clinical-significance assessments for this variant to ClinVar. Based on the evidence outlined above, the variant was classified as uncertain significance.